The following is an entry in ClinVar:

NM_001122752.2(SERPINI1):c.109C>T (p.Leu37Phe)

Gene: SERPINI1 (serpin family I member 1; plus strand). Cytogenetic location: 3q26.1.
Variant type: single nucleotide variant.
Coding change: c.109C>T on transcript NM_001122752.2 (MANE Select); coding-DNA position 109, C replaced by T.
Protein change: p.Leu37Phe; replaces leucine 37 with phenylalanine.
Molecular consequence: missense variant.
Genome position (GRCh38, 1-based): chr3:167,789,237, C>T. VCF-style: chr3-167789237-C-T. GRCh37 (hg19) VCF-style: chr3-167507025-C-T.
Other names: c.109C>T, p.Leu37Phe (NM_005025.5); short protein forms L37F.
Identifiers: ClinVar variation 1005716 (VCV001005716.8), dbSNP rs1727416167, ClinGen allele CA355155554.

ClinVar aggregate classification (germline): Uncertain significance (1 of 4 stars; one submission).

Conditions:
Familial encephalopathy with neuroserpin inclusion bodies. Also called: ENCEPHALOPATHY, FAMILIAL, WITH COLLINS BODIES. Identifiers: Orphanet 85110, MedGen C1858680, MONDO:0011412, OMIM 604218.

Submission:

Labcorp Genetics (formerly Invitae), Labcorp
Classification: Uncertain significance for Familial encephalopathy with neuroserpin inclusion bodies. Last evaluated: 2024-04-16. Review status: criteria provided, single submitter. Criteria: Invitae Variant Classification Sherloc (09022015). Collection method: clinical testing. Allele origin: germline.
Comment: This sequence change replaces leucine, which is neutral and non-polar, with phenylalanine, which is neutral and non-polar, at codon 37 of the SERPINI1 protein (p.Leu37Phe). This variant is not present in population databases (gnomAD no frequency). This variant has not been reported in the literature in individuals affected with SERPINI1-related conditions. ClinVar contains an entry for this variant (Variation ID: 1005716). Advanced modeling of protein sequence and biophysical properties (such as structural, functional, and spatial information, amino acid conservation, physicochemical variation, residue mobility, and thermodynamic stability) performed at Invitae indicates that this missense variant is not expected to disrupt SERPINI1 protein function with a negative predictive value of 80%. In summary, the available evidence is currently insufficient to determine the role of this variant in disease. Therefore, it has been classified as a Variant of Uncertain Significance.